The following is an entry in ClinVar:

NM_005006.7(NDUFS1):c.1735A>G (p.Ile579Val)

Gene: NDUFS1 (NADH:ubiquinone oxidoreductase core subunit S1; minus strand). Cytogenetic location: 2q33.3.
Variant type: single nucleotide variant.
Coding change: c.1735A>G on transcript NM_005006.7 (MANE Select); coding-DNA position 1735, A replaced by G.
Protein change: p.Ile579Val; replaces isoleucine 579 with valine.
Molecular consequence: missense variant.
Genome position (GRCh38, 1-based): chr2:206,127,946, T>C on the plus strand (A>G on the coding strand, the complement: NDUFS1 is on the minus strand). VCF-style: chr2-206127946-T-C. GRCh37 (hg19) VCF-style: chr2-206992670-T-C.
Other names: c.1402A>G, p.Ile468Val (NM_001199982.2); c.1564A>G, p.Ile522Val (NM_001199983.2); c.1777A>G, p.Ile593Val (NM_001199984.2); c.1627A>G, p.Ile543Val (NM_001199981.2); short protein forms I543V, I593V, I579V, I468V, I522V.
Identifiers: ClinVar variation 3006880 (VCV003006880.3), dbSNP rs770664540, ClinGen allele CA2070358.

ClinVar aggregate classification (germline): Uncertain significance (1 of 4 stars; one submission).

Allele frequency attached by ClinVar (database versions not stated): gnomAD exomes below 0.00001; ExAC 0.00001.
gnomAD v4.1: 1 of 1,614,124 alleles (0.000062%); highest among the groups gnomAD compares: Non-Finnish European, 0.000085%; no homozygotes.

Submission:

Labcorp Genetics (formerly Invitae), Labcorp
Classification: Uncertain significance. Last evaluated: 2023-11-10. Review status: criteria provided, single submitter. Criteria: Invitae Variant Classification Sherloc (09022015). Collection method: clinical testing. Allele origin: germline.
Comment: This sequence change replaces isoleucine, which is neutral and non-polar, with valine, which is neutral and non-polar, at codon 579 of the NDUFS1 protein (p.Ile579Val). This variant is present in population databases (rs770664540, gnomAD 0.0009%). This variant has not been reported in the literature in individuals affected with NDUFS1-related conditions. Advanced modeling of protein sequence and biophysical properties (such as structural, functional, and spatial information, amino acid conservation, physicochemical variation, residue mobility, and thermodynamic stability) performed at Invitae indicates that this missense variant is not expected to disrupt NDUFS1 protein function with a negative predictive value of 80%. In summary, the available evidence is currently insufficient to determine the role of this variant in disease. Therefore, it has been classified as a Variant of Uncertain Significance.